The following is an entry in ClinVar:

ClinVar aggregate classification (germline): Uncertain significance. Review status: criteria provided, multiple submitters, no conflicts (2 of 4 stars). 2 submissions from 2 submitters: Uncertain significance (2). Last evaluated 2025-05-19.

Conditions:
Orofaciodigital syndrome I (OFD1). Also called: Papillon-Leage and Psaume Syndrome; OFDS I; Oral-Facial-Digital Syndrome Type I. Identifiers: Orphanet 2750, MedGen C1510460, MONDO:0010702, OMIM 311200.
Joubert syndrome. Also called: JOUBERT-BOLTSHAUSER SYNDROME; Familial aplasia of the vermis. Identifiers: Orphanet 475, MedGen C5979921, MONDO:0018772.

Allele frequency attached by ClinVar (database versions not stated): TOPMed below 0.00001.

Submissions (2):

Labcorp Genetics (formerly Invitae), Labcorp
Classification: Uncertain significance for Orofaciodigital syndrome I; Joubert syndrome. Last evaluated: 2025-05-19. Review status: criteria provided, single submitter. Criteria: Invitae Variant Classification Sherloc (09022015). Collection method: clinical testing. Allele origin: germline.
Comment: This sequence change replaces threonine, which is neutral and polar, with lysine, which is basic and polar, at codon 737 of the OFD1 protein (p.Thr737Lys). This variant is not present in population databases (gnomAD no frequency). This variant has not been reported in the literature in individuals affected with OFD1-related conditions. ClinVar contains an entry for this variant (Variation ID: 1699810). Invitae Evidence Modeling of protein sequence and biophysical properties (such as structural, functional, and spatial information, amino acid conservation, physicochemical variation, residue mobility, and thermodynamic stability) indicates that this missense variant is expected to disrupt OFD1 protein function with a positive predictive value of 80%. In summary, the available evidence is currently insufficient to determine the role of this variant in disease. Therefore, it has been classified as a Variant of Uncertain Significance.

GeneDx
Classification: Uncertain significance. Last evaluated: 2023-03-12. Review status: criteria provided, single submitter. Criteria: GeneDx Variant Classification Process June 2021. Collection method: clinical testing. Allele origin: germline.
Comment: Not observed at significant frequency in large population cohorts (gnomAD); In silico analysis supports that this missense variant has a deleterious effect on protein structure/function; Has not been previously published as pathogenic or benign to our knowledge; This variant is associated with the following publications: (PMID: 20835237)

NM_003611.3(OFD1):c.2210C>A (p.Thr737Lys)

Gene: OFD1 (OFD1 centriole and centriolar satellite protein; plus strand). Cytogenetic location: Xp22.2.
Variant type: single nucleotide variant.
Coding change: c.2210C>A on transcript NM_003611.3 (MANE Select); coding-DNA position 2210, C replaced by A.
Protein change: p.Thr737Lys; replaces threonine 737 with lysine.
Molecular consequence: missense variant.
Genome position (GRCh38, 1-based): chrX:13,760,670, C>A. VCF-style: chrX-13760670-C-A. GRCh37 (hg19) VCF-style: chrX-13778789-C-A.
Other names: c.2090C>A, p.Thr697Lys (NM_001330209.2); c.1790C>A, p.Thr597Lys (NM_001330210.2); short protein forms T597K, T697K, T737K.
Identifiers: ClinVar variation 1699810 (VCV001699810.6), dbSNP rs747090131, ClinGen allele CA412344742.
Genomic context (GRCh38, chrX:13,760,670, plus strand): 5'-TGACAGGCAGTGCAGCCTCGAGGCTCCGCGGGGGCACTTCCTCCAGACGCCTCTCTTCCA[C>A]ACCCCTTCCAAAAGCAAAAAGAAGCCTCGAAAGTGAAATGTATCTGGAAGGTAAGCCACC-3'
Protein context (NP_003602.1, residues 727-747): GGTSSRRLSS[Thr737Lys]PLPKAKRSLE